The following is an entry in ClinVar:

ClinVar aggregate classification (germline): Benign. Review status: criteria provided, multiple submitters, no conflicts (2 of 4 stars). 4 submissions from 4 submitters: Benign (3). 1 of the submissions does not count toward it. Last evaluated 2024-11-26.

Conditions:
NUP155-related disorder. Also called: NUP155-related condition.

Allele frequency attached by ClinVar (database versions not stated): gnomAD exomes 0.17514 and 0.21872; ExAC 0.23426; gnomAD 0.33808 and 0.34938; ESP Exome Variant Server 0.35361; 1000 Genomes Project 0.35503; TOPMed 0.35585; 1000 Genomes Project 30x 0.36930.
gnomAD v4.1: 308,012 of 1,610,974 alleles (19%); highest among the groups gnomAD compares: African/African-American, 77%; 43,624 homozygotes.

Submissions (4):

Blueprint Genetics
Classification: Benign. Last evaluated: 2024-11-26. Review status: criteria provided, single submitter. Criteria: ACMG Guidelines, 2015. Collection method: clinical testing. Allele origin: germline.

GeneDx
Classification: Benign. Last evaluated: 2021-05-04. Review status: criteria provided, single submitter. Criteria: GeneDx Variant Classification Process June 2021. Collection method: clinical testing. Allele origin: germline. Affected: yes.

Breakthrough Genomics
Classification: Benign. Review status: criteria provided, single submitter. Criteria: ACMG Guidelines, 2015. Collection method: not provided. Allele origin: germline. Inheritance: Autosomal recessive inheritance. Affected: yes.

PreventionGenetics, part of Exact Sciences
Classification: Benign for NUP155-related condition. Last evaluated: 2019-10-24. Review status: no assertion criteria provided. Collection method: clinical testing. Allele origin: germline. Not counted in ClinVar's aggregate classification.
Comment: This variant is classified as benign based on ACMG/AMP sequence variant interpretation guidelines (Richards et al. 2015 PMID: 25741868, with internal and published modifications).

NM_153485.3(NUP155):c.1356T>C (p.Ala452=)

Gene: NUP155 (nucleoporin 155; minus strand). Cytogenetic location: 5p13.2.
Variant type: single nucleotide variant.
Coding change: c.1356T>C on transcript NM_153485.3 (MANE Select); coding-DNA position 1356, T replaced by C.
Protein change: p.Ala452=; no amino-acid change (alanine 452 retained).
Molecular consequence: synonymous variant.
Genome position (GRCh38, 1-based): chr5:37,333,625, A>G on the plus strand (T>C on the coding strand, the complement: NUP155 is on the minus strand). VCF-style: chr5-37333625-A-G. GRCh37 (hg19) VCF-style: chr5-37333727-A-G.
Other names: c.1356T>C, p.Ala452= (NM_001278312.2); c.1179T>C, p.Ala393= (NM_004298.4).
Identifiers: ClinVar variation 1288022 (VCV001288022.5), dbSNP rs150594, ClinGen allele CA3240049.